The following is an entry in ClinVar:

NM_000152.5(GAA):c.1388_1406del (p.Arg463fs)

Gene: GAA (alpha glucosidase; plus strand). Cytogenetic location: 17q25.3.
Variant type: Deletion.
Coding change: c.1388_1406del on transcript NM_000152.5 (MANE Select); coding-DNA positions 1388 to 1406, 19 bases deleted (GGAGGGGGGTTTTCATCAC).
Protein change: p.Arg463fs; shifts the reading frame from arginine 463.
Molecular consequence: frameshift variant.
Genome position (GRCh38, 1-based): chr17:80,110,006-80,110,024, GGAGGGGGGTTTTCATCAC deleted; deleting any 19 consecutive bases within chr17:80,110,005-80,110,024 gives the same sequence; the c. name uses the placement nearest the transcript's 3' end. VCF-style (leftmost placement, unchanged base first): chr17-80110004-GCGGAGGGGGGTTTTCATCA-G. GRCh37 (hg19) VCF-style: chr17-78083803-GCGGAGGGGGGTTTTCATCA-G.
Other names: c.1388_1406del, p.Arg463fs (NM_001079803.3, NM_001079804.3, NM_001406741.1 and 1 more transcripts); short protein forms R463fs.
Identifiers: ClinVar variation 4876672 (VCV004876672.1).

ClinVar aggregate classification (germline): Pathogenic (1 of 4 stars; one submission).

Conditions:
Glycogen storage disease, type II (IOPD). Also called: Pompe Disease; CARDIOMEGALIA GLYCOGENICA DIFFUSA; GLYCOGENOSIS, GENERALIZED, CARDIAC FORM; GSD II; POMPE DISEASE, INFANTILE-ONSET; GLYCOGEN STORAGE DISEASE II, INFANTILE-ONSET. Identifiers: Orphanet 365, MedGen C0017921, MONDO:0009290, OMIM 232300.

Submission:

Genomenon, Inc
Classification: Pathogenic for Glycogen storage disease, type II. Last evaluated: 2026-07-01. Review status: criteria provided, single submitter. Criteria: Genomenon Sequence Variant Interpretation Standards - Updated. Collection method: curation. Allele origin: germline. Affected: yes.
Comment: GAA p.Arg463ProfsTer8 (c.1388_1406del) is a frameshift variant that is predicted to introduce a premature termination codon and result in a truncated or absent protein product. This variant has been observed in at least one proband with a GAA-related disorder (PMID:39010129;32126021). Functional studies have been reported (PMID:32126021). It is absent or not present at a significant frequency in gnomAD. In conclusion, we classify GAA p.Arg463ProfsTer8 (c.1388_1406del) as a pathogenic variant.

Literature cited by the submitters: PubMed 39010129; PubMed 32126021.